The following is an entry in ClinVar:

NM_006642.5(SDCCAG8):c.1062A>C (p.Lys354Asn)

Gene: SDCCAG8 (SHH signaling and ciliogenesis regulator SDCCAG8; plus strand). Cytogenetic location: 1q43.
Variant type: single nucleotide variant.
Coding change: c.1062A>C on transcript NM_006642.5 (MANE Select); coding-DNA position 1062, A replaced by C.
Protein change: p.Lys354Asn; replaces lysine 354 with asparagine.
Molecular consequence: missense variant.
Genome position (GRCh38, 1-based): chr1:243,316,887, A>C. VCF-style: chr1-243316887-A-C. GRCh37 (hg19) VCF-style: chr1-243480189-A-C.
Other names: c.159A>C, p.Lys53Asn (NM_001350246.2, NM_001350247.2, NM_001350251.2); c.1158A>C, p.Lys386Asn (NM_001350248.2); c.768A>C, p.Lys256Asn (NM_001350249.2); short protein forms K256N, K53N, K354N, K386N.
Identifiers: ClinVar variation 2125566 (VCV002125566.4), dbSNP rs2547897837, ClinGen allele CA345481035.

ClinVar aggregate classification (germline): Uncertain significance (1 of 4 stars; one submission).

Conditions:
Senior-Loken syndrome 7 (SLSN7). Identifiers: Orphanet 3156, MedGen C3150877, MONDO:0013326, OMIM 613615.
Bardet-Biedl syndrome 16 (BBS16). Identifiers: Orphanet 110, MedGen C3889474, MONDO:0014444, OMIM 615993.

Submission:

Labcorp Genetics (formerly Invitae), Labcorp
Classification: Uncertain significance for Bardet-Biedl syndrome 16; Senior-Loken syndrome 7. Last evaluated: 2023-10-03. Review status: criteria provided, single submitter. Criteria: Invitae Variant Classification Sherloc (09022015). Collection method: clinical testing. Allele origin: germline.
Comment: This sequence change replaces lysine, which is basic and polar, with asparagine, which is neutral and polar, at codon 354 of the SDCCAG8 protein (p.Lys354Asn). This variant is not present in population databases (gnomAD no frequency). This variant has not been reported in the literature in individuals affected with SDCCAG8-related conditions. ClinVar contains an entry for this variant (Variation ID: 2125566). Advanced modeling of protein sequence and biophysical properties (such as structural, functional, and spatial information, amino acid conservation, physicochemical variation, residue mobility, and thermodynamic stability) performed at Invitae indicates that this missense variant is expected to disrupt SDCCAG8 protein function. In summary, the available evidence is currently insufficient to determine the role of this variant in disease. Therefore, it has been classified as a Variant of Uncertain Significance.